The following is an entry in ClinVar:

NM_001042492.3(NF1):c.7382T>C (p.Leu2461Pro)

Gene: NF1 (neurofibromin 1; plus strand). Cytogenetic location: 17q11.2.
Variant type: single nucleotide variant.
Coding change: c.7382T>C on transcript NM_001042492.3 (MANE Select); coding-DNA position 7382, T replaced by C.
Protein change: p.Leu2461Pro; replaces leucine 2461 with proline.
Molecular consequence: missense variant.
Genome position (GRCh38, 1-based): chr17:31,350,243, T>C. VCF-style: chr17-31350243-T-C. GRCh37 (hg19) VCF-style: chr17-29677261-T-C.
Other names: c.7319T>C, p.Leu2440Pro (NM_000267.4); short protein forms L2440P, L2461P.
Identifiers: ClinVar variation 1758291 (VCV001758291.3), dbSNP rs2070105653, ClinGen allele CA399017072.

ClinVar aggregate classification (germline): Uncertain significance. Review status: criteria provided, multiple submitters, no conflicts (2 of 4 stars). 2 submissions from 2 submitters: Uncertain significance (2). Last evaluated 2023-02-27.

Conditions:
NF1-related disorder. Also called: NF1-related condition. Identifiers: MedGen CN379171.
Hereditary cancer-predisposing syndrome. Also called: Neoplastic Syndromes, Hereditary; Tumor predisposition; Hereditary Cancer Syndrome; Hereditary neoplastic syndrome. Identifiers: Orphanet 140162, MedGen C0027672, MeSH D009386, MONDO:0015356.
Cardiovascular phenotype. Identifiers: MedGen CN230736.

Submissions (2):

PreventionGenetics, part of Exact Sciences
Classification: Uncertain significance for NF1-related condition. Last evaluated: 2023-02-27. Review status: criteria provided, single submitter. Criteria: ACMG Guidelines, 2015. Collection method: clinical testing. Allele origin: germline.
Comment: The NF1 c.7382T>C variant is predicted to result in the amino acid substitution p.Leu2461Pro. To our knowledge, this variant has not been reported in the literature or in a large population database, indicating this variant is rare. At this time, the clinical significance of this variant is uncertain due to the absence of conclusive functional and genetic evidence.

Ambry Genetics
Classification: Uncertain significance for Cardiovascular phenotype; Hereditary cancer-predisposing syndrome. Last evaluated: 2022-09-03. Review status: criteria provided, single submitter. Criteria: Ambry Variant Classification Scheme 2023. Collection method: clinical testing. Allele origin: germline.
Comment: The p.L2440P variant (also known as c.7319T>C), located in coding exon 49 of the NF1 gene, results from a T to C substitution at nucleotide position 7319. The leucine at codon 2440 is replaced by proline, an amino acid with similar properties. This amino acid position is conserved. In addition, the in silico prediction for this alteration is inconclusive. Since supporting evidence is limited at this time, the clinical significance of this alteration remains unclear.